The following is an entry in ClinVar:

ClinVar aggregate classification (germline): Likely benign. Review status: criteria provided, multiple submitters, no conflicts (2 of 4 stars). 5 submissions from 5 submitters: Likely benign (4). 1 of the submissions does not count toward it. Last evaluated 2026-01-08.

Conditions:
EFL1-related disorder. Also called: EFL1-related condition.

Allele frequency attached by ClinVar (database versions not stated): gnomAD exomes 0.00005 and 0.00010; ExAC 0.00009; ESP Exome Variant Server 0.00042; TOPMed 0.00051; gnomAD 0.00056 and 0.00058; 1000 Genomes Project 30x 0.00062; 1000 Genomes Project 0.00080.
gnomAD v4.1: 156 of 1,600,024 alleles (0.0097%); highest among the groups gnomAD compares: African/African-American, 0.2%; no homozygotes.

Submissions (5):

Labcorp Genetics (formerly Invitae), Labcorp
Classification: Likely benign. Last evaluated: 2026-01-08. Review status: criteria provided, single submitter. Criteria: Invitae Variant Classification Sherloc (09022015). Collection method: clinical testing. Allele origin: germline.

Mayo Clinic Laboratories, Mayo Clinic
Classification: Likely benign. Last evaluated: 2025-09-12. Review status: criteria provided, single submitter. Criteria: ACMG Guidelines, 2015. Collection method: clinical testing. Allele origin: germline. Observed: 1 variant allele.
Comment: BP4, BP7

Blueprint Genetics
Classification: Likely benign. Last evaluated: 2022-10-25. Review status: criteria provided, single submitter. Criteria: ACMG Guidelines, 2015. Collection method: clinical testing. Allele origin: germline.

Breakthrough Genomics
Classification: Likely benign. Review status: criteria provided, single submitter. Criteria: ACMG Guidelines, 2015. Collection method: not provided. Allele origin: germline. Inheritance: Autosomal recessive inheritance. Affected: yes.

PreventionGenetics, part of Exact Sciences
Classification: Likely benign for EFL1-related condition. Last evaluated: 2019-04-30. Review status: no assertion criteria provided. Collection method: clinical testing. Allele origin: germline. Not counted in ClinVar's aggregate classification.
Comment: This variant is classified as likely benign based on ACMG/AMP sequence variant interpretation guidelines (Richards et al. 2015 PMID: 25741868, with internal and published modifications).

NM_024580.6(EFL1):c.1069+9T>C

Gene: EFL1 (elongation factor like GTPase 1; minus strand). Cytogenetic location: 15q25.2.
Variant type: single nucleotide variant.
Coding change: c.1069+9T>C on transcript NM_024580.6 (MANE Select); 9 bases into the intron after coding-DNA position 1069, T replaced by C.
Molecular consequence: intron variant.
Genome position (GRCh38, 1-based): chr15:82,228,182, A>G on the plus strand (T>C on the coding strand, the complement: EFL1 is on the minus strand). VCF-style: chr15-82228182-A-G. GRCh37 (hg19) VCF-style: chr15-82520523-A-G.
Other names: p.?; c.1069+9T>C (NM_024580.5, NM_001322845.2); c.916+9T>C (NM_001040610.3); c.280+9T>C (NM_001322844.2).
Identifiers: ClinVar variation 1561091 (VCV001561091.13), dbSNP rs149883651, ClinGen allele CA7698106.
Genomic context (GRCh38, chr15:82,228,182, plus strand): 5'-ACCATAACGCATTGTTTTTTCTAGCTTTATCAAAACTATTTCATTAAAAACCATTAGAAT[A>G]AAGGATACCAAGAACAGCATGGGATATGGGTAGCCACTGACTGCAAATGGCGTTGATCTG-3'